The following is an entry in ClinVar:

ClinVar aggregate classification (germline): Uncertain significance (1 of 4 stars; one submission).

Conditions:
Fanconi anemia (FA). Also called: Fanconi's anemia. Identifiers: Orphanet 84, MedGen C0015625, MeSH D005199, MONDO:0019391.

Submission:

Labcorp Genetics (formerly Invitae), Labcorp
Classification: Uncertain significance for Fanconi anemia. Last evaluated: 2023-06-05. Review status: criteria provided, single submitter. Criteria: Invitae Variant Classification Sherloc (09022015). Collection method: clinical testing. Allele origin: germline.
Comment: In summary, the available evidence is currently insufficient to determine the role of this variant in disease. Therefore, it has been classified as a Variant of Uncertain Significance. This sequence change affects codon 1142 of the FANCD2 mRNA. It is a 'silent' change, meaning that it does not change the encoded amino acid sequence of the FANCD2 protein. This variant is not present in population databases (gnomAD no frequency). This variant has not been reported in the literature in individuals affected with FANCD2-related conditions. Algorithms developed to predict the effect of sequence changes on RNA splicing suggest that this variant may disrupt the consensus splice site.

NM_001018115.3(FANCD2):c.3426G>A (p.Leu1142=)

Genes: FANCD2 (FA complementation group D2; plus strand), FANCD2OS (FANCD2 opposite strand; minus strand). Cytogenetic location: 3p25.3.
Variant type: single nucleotide variant.
Coding change: c.3426G>A on transcript NM_001018115.3 (MANE Select); coding-DNA position 3426, G replaced by A.
Protein change: p.Leu1142=; no amino-acid change (leucine 1142 retained).
Molecular consequence: synonymous variant. On other transcripts: intron variant (1).
Genome position (GRCh38, 1-based): chr3:10,087,224, G>A. VCF-style: chr3-10087224-G-A. GRCh37 (hg19) VCF-style: chr3-10128908-G-A.
Other names: c.3426G>A, p.Leu1142= (NM_001319984.2, NM_001374254.1, NM_033084.6); c.3315G>A, p.Leu1105= (NM_001374253.1); c.*44-5693C>T (NM_173472.2).
Identifiers: ClinVar variation 2893864 (VCV002893864.3), dbSNP rs2125072728, ClinGen allele CA432415630.
Genomic context (GRCh38, chr3:10,087,224, plus strand): 5'-TCAAAGCATTCCCAGTTTCCAGTGTGCTCTTTATCTCATCAGACTTTTGATGGTTATTTT[G>A]GAGAAATCAACAGCTTCTGCTCAGAACAAAGAAAAAATTGGTGATGGGCCTAGATCCTTT-3'
Protein context (NP_001018125.1, residues 1132-1152): LYLIRLLMVI[Leu1142=]EKSTASAQNK